The following is an entry in ClinVar:

ClinVar aggregate classification (germline): Pathogenic. Review status: criteria provided, multiple submitters, no conflicts (2 of 4 stars). 8 submissions from 8 submitters: Pathogenic (6). 2 of the submissions do not count toward it. Last evaluated 2026-05-08.

Conditions:
PJVK-related disorder. Also called: PJVK-related condition.
Deafness. Identifiers: MedGen C0011053.
Hearing loss, autosomal recessive. Also called: Rare autosomal recessive non-syndromic sensorineural deafness type DFNB; Autosomal recessive nonsyndromic deafness; Nonsyndromic Hearing Loss, Recessive; Deafness, autosomal recessive. Identifiers: Orphanet 90635, Orphanet 90636, MedGen C1846647, MONDO:0019588, OMIM 607197.
Autosomal recessive nonsyndromic hearing loss 59. Identifiers: Orphanet 90636, MedGen C1857744, MONDO:0012445, OMIM 610220.

Allele frequency attached by ClinVar (database versions not stated): gnomAD 0.00001; gnomAD exomes 0.00001 and 0.00002; ExAC 0.00002; TOPMed 0.00002; ESP Exome Variant Server 0.00008.
gnomAD v4.1: 21 of 1,612,334 alleles (0.0013%); highest among the groups gnomAD compares: African/African-American, 0.0027%; no homozygotes.

Submissions (8):

PreventionGenetics, part of Exact Sciences
Classification: Pathogenic for PJVK-related condition. Last evaluated: 2026-05-08. Review status: criteria provided, single submitter. Criteria: ACMG Guidelines, 2015. Collection method: clinical testing. Allele origin: germline.
Comment: The PJVK c.406C>T variant is predicted to result in premature protein termination (p.Arg136*). This variant was reported as causative in multiple individuals with autosomal recessive non-syndromic hearing loss (Shahin et al. 2010. PubMed ID: 19888295; Borck et al. 2011. PubMed ID: 21696384; Abu Rayyan et al. 2020. PubMed ID: 32747562). This variant is reported in 0.0083% of alleles in individuals of African descent in gnomAD. Nonsense variants in PJVK are expected to be pathogenic. This variant is interpreted as pathogenic.

GeneDx
Classification: Pathogenic. Last evaluated: 2026-02-20. Review status: criteria provided, single submitter. Criteria: GeneDx Variant Classification Process June 2021. Collection method: clinical testing. Allele origin: germline.
Comment: Nonsense variant predicted to result in protein truncation or nonsense mediated decay in a gene for which loss of function is a known mechanism of disease; This variant is associated with the following publications: (PMID: 25525159, 28964305, 19888295, 21696384, 32860223, 32747562)

Genetics Research Center, University of Social Welfare and Rehabilitation Sciences
Classification: Pathogenic for Autosomal recessive nonsyndromic hearing loss 59. Last evaluated: 2025-12-09. Review status: criteria provided, single submitter. Criteria: ACMG Guidelines, 2015. Collection method: research. Allele origin: germline. Affected: yes.
Comment: The variant is present at a very low frequency in the gnomAD v2.1.1 dataset (allele frequency: 0.002%). It is a stop-gain mutation expected to disrupt normal protein function either through nonsense-mediated decay (NMD) or by producing a truncated protein. Previous studies have reported its association with PJVK-related disorders (PMID: 30303587‚ 19888295‚ 21696384).

Labcorp Genetics (formerly Invitae), Labcorp
Classification: Pathogenic. Last evaluated: 2023-11-20. Review status: criteria provided, single submitter. Criteria: Invitae Variant Classification Sherloc (09022015). Collection method: clinical testing. Allele origin: germline.
Comment: This sequence change creates a premature translational stop signal (p.Arg136*) in the DFNB59 gene. It is expected to result in an absent or disrupted protein product. Loss-of-function variants in DFNB59 are known to be pathogenic (PMID: 17301963, 17718875). This variant is present in population databases (rs367688416, gnomAD 0.008%). This premature translational stop signal has been observed in individual(s) with clinical features of autosomal recessive nonsyndromic deafness (PMID: 19888295, 21696384). ClinVar contains an entry for this variant (Variation ID: 560905). For these reasons, this variant has been classified as Pathogenic.

King Laboratory, University of Washington
Classification: Pathogenic for Autosomal recessive nonsyndromic hearing loss 59. Last evaluated: 2020-08-01. Review status: criteria provided, single submitter. Criteria: Abu Rayyan A et al. (Proc Natl Acad Sci U S A 2020). Collection method: research. Allele origin: germline. Affected: yes.
Comment: PJVK c.406C>T, p.R136* is homozygous in 2 children and their father with profound hearing loss in a Palestinian family (Abu Rayyan 2020). It is absent from 1300 Palestinian controls and present in 5/279388 alleles on gnomAD, all in heterozygotes.

3billion
Classification: Pathogenic for Autosomal recessive nonsyndromic hearing loss 59. Review status: criteria provided, single submitter. Criteria: ACMG Guidelines, 2015. Collection method: clinical testing. Allele origin: unknown. Affected: yes. Observed: 1 homozygote.
Comment: The homozygous variant is observed at an extremely low frequency in the gnomAD v2.1.1 dataset (total allele frequency: 0.002%). It is a stop-gained (nonsense) variant predicted to result in a loss or disruption of normal protein function through nonsense-mediated decay (NMD) or protein truncation. Multiple pathogenic variants are reported downstream of the variant. The variant has been reported to be associated with PJVK -related disorder (ClinVar ID: VCV000560905 / PMID: 19888295). Therefore, this variant is classified as pathogenic according to the recommendation of ACMG/AMP guideline.

Center for Statistical Genetics, Columbia University
Classification: Pathogenic for Deafness. Last evaluated: 2018-09-10. Review status: no assertion criteria provided. Collection method: research. Allele origin: inherited. Affected: yes. Not counted in ClinVar's aggregate classification.
Comment: Autosomal recessive

University of Washington Center for Mendelian Genomics, University of Washington
Classification: Likely pathogenic for non-syndromic autosomal recessive hearing loss. Review status: no assertion criteria provided. Collection method: research. Allele origin: inherited. Affected: yes. Not counted in ClinVar's aggregate classification.

Literature cited by the submitters: PubMed 30303587 (cited by Genetics Research Center, University of Social Welfare and Rehabilitation Sciences and University of Washington Center for Mendelian Genomics, University of Washington); PubMed 19888295 (cited by 3 submitters); PubMed 21696384 (cited by Genetics Research Center, University of Social Welfare and Rehabilitation Sciences and Labcorp Genetics (formerly Invitae), Labcorp); PubMed 17301963 (cited by Labcorp Genetics (formerly Invitae), Labcorp); PubMed 17718875 (cited by Labcorp Genetics (formerly Invitae), Labcorp).

NM_001042702.5(PJVK):c.406C>T (p.Arg136Ter)

Gene: PJVK (pejvakin; plus strand). Cytogenetic location: 2q31.2.
Variant type: single nucleotide variant.
Coding change: c.406C>T on transcript NM_001042702.5 (MANE Select); coding-DNA position 406, C replaced by T.
Protein change: p.Arg136Ter; replaces arginine 136 with a stop codon.
Molecular consequence: nonsense. On other transcripts: 5 prime UTR variant (2).
Genome position (GRCh38, 1-based): chr2:178,454,526, C>T. VCF-style: chr2-178454526-C-T. GRCh37 (hg19) VCF-style: chr2-179319253-C-T.
Other names: NM_001042702.3:c.406C>T, p.(Arg136*); c.415C>T, p.Arg139Ter (NM_001353775.2); c.511C>T, p.Arg171Ter (NM_001353776.2); c.-72C>T (NM_001353777.1, NM_001353778.2); c.406C>T, p.Arg136Ter (NM_001369912.1); short protein forms R136*, R139*, R171*.
Identifiers: ClinVar variation 560905 (VCV000560905.11), dbSNP rs367688416, ClinGen allele CA1984180.